The following is an entry in ClinVar:

ClinVar aggregate classification (germline): Conflicting classifications of pathogenicity. Review status: criteria provided, conflicting classifications (1 of 4 stars). 5 submissions from 5 submitters: Uncertain significance (3); Likely benign (2). Last evaluated 2026-01-28.

Conditions:
Hereditary breast ovarian cancer syndrome. Also called: Hereditary breast and ovarian cancer syndrome; Hereditary breast and ovarian cancer; Hereditary breast and ovarian cancer syndrome (HBOC); Breast and ovarian cancer; Hereditary breast and/or ovarian cancer syndrome; BRCA1- and BRCA2-Associated Hereditary Breast and Ovarian Cancer. Identifiers: Orphanet 145, MedGen C0677776, MeSH D061325, MONDO:0003582. Disease mechanism: loss of function.
Hereditary cancer-predisposing syndrome. Also called: Neoplastic Syndromes, Hereditary; Tumor predisposition; Hereditary neoplastic syndrome; Hereditary Cancer Syndrome. Identifiers: Orphanet 140162, MedGen C0027672, MeSH D009386, MONDO:0015356.

gnomAD v4.1: 3 of 1,607,450 alleles (0.00019%); highest among the groups gnomAD compares: Admixed American, 0.0034%; no homozygotes.

Submissions (5):

Labcorp Genetics (formerly Invitae), Labcorp
Classification: Uncertain significance for Hereditary breast ovarian cancer syndrome. Last evaluated: 2026-01-28. Review status: criteria provided, single submitter. Criteria: Invitae Variant Classification Sherloc (09022015). Collection method: clinical testing. Allele origin: germline.
Comment: This sequence change replaces valine, which is neutral and non-polar, with leucine, which is neutral and non-polar, at codon 1643 of the BRCA2 protein (p.Val1643Leu). This variant is present in population databases (no rsID available, gnomAD 0.003%). This variant has not been reported in the literature in individuals affected with BRCA2-related conditions. ClinVar contains an entry for this variant (Variation ID: 825295). Invitae Evidence Modeling of protein sequence and biophysical properties (such as structural, functional, and spatial information, amino acid conservation, physicochemical variation, residue mobility, and thermodynamic stability) indicates that this missense variant is not expected to disrupt BRCA2 protein function with a negative predictive value of 95%. In summary, the available evidence is currently insufficient to determine the role of this variant in disease. Therefore, it has been classified as a Variant of Uncertain Significance.

Women's Health and Genetics/Laboratory Corporation of America, LabCorp
Classification: Uncertain significance. Last evaluated: 2025-03-18. Review status: criteria provided, single submitter. Criteria: LabCorp Variant Classification Summary - May 2015. Collection method: clinical testing. Allele origin: germline.
Comment: Variant summary: BRCA2 c.4927G>T (p.Val1643Leu) results in a conservative amino acid change in the encoded protein sequence. Five of five in-silico tools predict a benign effect of the variant on protein function. The variant allele was found at a frequency of 4.1e-06 in 244130 control chromosomes. The available data on variant occurrences in the general population are insufficient to allow any conclusion about variant significance. To our knowledge, no occurrence of c.4927G>T in individuals affected with Hereditary Breast And Ovarian Cancer Syndrome and no experimental evidence demonstrating its impact on protein function have been reported. ClinVar contains an entry for this variant (Variation ID: 825295). Based on the evidence outlined above, the variant was classified as uncertain significance.

Ambry Genetics
Classification: Likely benign for Hereditary cancer-predisposing syndrome. Last evaluated: 2024-06-13. Review status: criteria provided, single submitter. Criteria: Ambry Variant Classification Scheme 2023. Collection method: clinical testing. Allele origin: germline.

Color Diagnostics, LLC DBA Color Health
Classification: Uncertain significance for Hereditary cancer-predisposing syndrome. Last evaluated: 2024-03-01. Review status: criteria provided, single submitter. Criteria: ACMG Guidelines, 2015. Collection method: clinical testing. Allele origin: germline.
Comment: This missense variant replaces valine with leucine at codon 1643 of the BRCA2 protein. Computational prediction suggests that this variant may not impact protein structure and function. To our knowledge, functional studies have not been reported for this variant. This variant has not been reported in individuals affected with BRCA2-related disorders in the literature. This variant has been identified in 1/244130 chromosomes in the general population by the Genome Aggregation Database (gnomAD). The available evidence is insufficient to determine the role of this variant in disease conclusively. Therefore, this variant is classified as a Variant of Uncertain Significance.

University of Washington Department of Laboratory Medicine, University of Washington
Classification: Likely benign for Hereditary cancer-predisposing syndrome. Last evaluated: 2023-03-23. Review status: criteria provided, single submitter. Criteria: Dines et al. (Genet Med. 2020). Collection method: curation. Allele origin: germline.
Comment: Missense variant in a coldspot region where missense variants are very unlikely to be pathogenic (PMID:31911673).

BRCA2 exon 11 coldspot. Reclassification based on statistical prior probability.

Literature cited by the submitters: PubMed 30287823 (cited by Ambry Genetics).

NM_000059.4(BRCA2):c.4927G>T (p.Val1643Leu)

Gene: BRCA2 (BRCA2 DNA repair associated; plus strand). Cytogenetic location: 13q13.1.
Variant type: single nucleotide variant.
Coding change: c.4927G>T on transcript NM_000059.4 (MANE Select); coding-DNA position 4927, G replaced by T.
Protein change: p.Val1643Leu; replaces valine 1643 with leucine.
Molecular consequence: missense variant.
Genome position (GRCh38, 1-based): chr13:32,339,282, G>T. VCF-style: chr13-32339282-G-T. GRCh37 (hg19) VCF-style: chr13-32913419-G-T.
Other names: short protein forms V1643L.
Identifiers: ClinVar variation 825295 (VCV000825295.14), dbSNP rs879254182, ClinGen allele CA387783649.
Genomic context (GRCh38, chr13:32,339,282, plus strand): 5'-CAAACTGAAAATCTCAAAACATCAAAAAGTATCTTTTTGAAAGTTAAAGTACATGAAAAT[G>T]TAGAAAAAGAAACAGCAAAAAGTCCTGCAACTTGTTACACAAATCAGTCCCCTTATTCAG-3'
Protein context (NP_000050.3, residues 1633-1653): IFLKVKVHEN[Val1643Leu]EKETAKSPAT